The following is an entry in ClinVar:

ClinVar aggregate classification (germline): Likely benign (1 of 4 stars; one submission).

Allele frequency attached by ClinVar (database versions not stated): 1000 Genomes Project 30x 0.00047; 1000 Genomes Project 0.00060; TOPMed 0.00173; ExAC 0.00200; gnomAD 0.00219; gnomAD exomes 0.00314.
gnomAD v4.1: 4,682 of 1,550,174 alleles (0.3%); highest among the groups gnomAD compares: Non-Finnish European, 0.35%; 21 homozygotes.

Submission:

CeGaT Center for Human Genetics Tuebingen
Classification: Likely benign. Last evaluated: 2022-07-01. Review status: criteria provided, single submitter. Criteria: CeGaT Center For Human Genetics Tuebingen Variant Classification Criteria Version 2. Collection method: clinical testing. Allele origin: germline. Affected: yes. Observed: 1 variant allele.
Comment: ANKRD61: BP4

NM_001271700.2(ANKRD61):c.684C>T (p.Asn228=)

Genes: ANKRD61 (ankyrin repeat domain 61; plus strand), EIF2AK1 (eukaryotic translation initiation factor 2 alpha kinase 1; minus strand). Cytogenetic location: 7p22.1.
Variant type: single nucleotide variant.
Coding change: c.684C>T on transcript NM_001271700.2 (MANE Select); coding-DNA position 684, C replaced by T.
Protein change: p.Asn228=; no amino-acid change (asparagine 228 retained).
Molecular consequence: synonymous variant. On other transcripts: intron variant (2).
Genome position (GRCh38, 1-based): chr7:6,035,813, C>T. VCF-style: chr7-6035813-C-T. GRCh37 (hg19) VCF-style: chr7-6075444-C-T.
Other names: c.1329+1611G>A (NM_001134335.2); c.1332+1611G>A (NM_014413.4).
Identifiers: ClinVar variation 2657295 (VCV002657295.24), dbSNP rs138987807, ClinGen allele CA4150819.
Genomic context (GRCh38, chr7:6,035,813, plus strand): 5'-CGCAAACATGCTGAATAAGGAGATGATGGAAACGCTCATTGCCTATGGAGCAAACGTCAA[C>T]TGTGCTGTCTCTTCCACGGGGAACACGCCCCTGAAGCTTGCAGTGTGCACTGCATCAAGC-3'
Protein context (NP_001258629.1, residues 218-238): ETLIAYGANV[Asn228=]CAVSSTGNTP